The following is an entry in ClinVar:

ClinVar aggregate classification (germline): Pathogenic/Likely pathogenic. Review status: criteria provided, multiple submitters, no conflicts (2 of 4 stars). 2 submissions from 2 submitters: Pathogenic (1); Likely pathogenic (1). Last evaluated 2025-07-25.

Conditions:
Neurodevelopmental disorder with dysmorphic facies and behavioral abnormalities (NEDFBA). Identifiers: MedGen C5882684, MONDO:0957583, OMIM 620489.

Submissions (2):

Undiagnosed Diseases Network, NIH
Classification: Pathogenic for Neurodevelopmental disorder with dysmorphic facies and behavioral abnormalities. Last evaluated: 2025-07-25. Review status: criteria provided, single submitter. Criteria: ACMG Guidelines, 2015. Collection method: clinical testing. Allele origin: de novo. Affected: yes. Observed: 1 variant allele, 1 heterozygote. Study: Undiagnosed Diseases Network (NIH), UDN.

Pittsburgh Clinical Genomics Laboratory, University of Pittsburgh Medical Center
Classification: Likely pathogenic for Neurodevelopmental disorder with dysmorphic facies and behavioral abnormalities. Last evaluated: 2024-02-21. Review status: criteria provided, single submitter. Criteria: ACMG Guidelines, 2015. Collection method: clinical testing. Allele origin: germline. Inheritance: Autosomal dominant inheritance. Affected: yes.
Comment: This sequence variant is a single nucleotide deletion (delC) in exon 1 of 4 of the SRSF1 gene and results in an early termition codon 3 amino acids downstream of the frameshift at what would have been the Gly4 codon. This variant is predicted to generate a non-functiol allele through either the expression of a truncated protein or a loss of serine and arginine rich splicing factor 1 expression due to nonsense mediated decay. This variant is absent from ClinVar and the gnomAD population database v4 (0 of 1,461,552 alleles, at position chr17:58007126 in hg38). To our knowledge, this variant has not been observed in an individual affected by a SRSF1-related disorder nor have functiol studies examined the impact of this variant on serine and arginine rich splicing factor 1 structure or function. However, haploinsufficiency in SRSF1 is a known mechanism of disease (PMID: 37071997). Based upon the evidence, we consider this variant to be likely pathogenic. ACMG Criteria: PM2, PVS1

Literature cited by the submitters: PubMed 37071997 (cited by Pittsburgh Clinical Genomics Laboratory, University of Pittsburgh Medical Center).

NM_006924.5(SRSF1):c.11del (p.Gly4fs)

Gene: SRSF1 (serine and arginine rich splicing factor 1; minus strand). Cytogenetic location: 17q22.
Variant type: Deletion.
Coding change: c.11del on transcript NM_006924.5 (MANE Select); coding-DNA position 11, one base deleted (G; older notation c.11delG).
Protein change: p.Gly4fs; shifts the reading frame from glycine 4.
Molecular consequence: frameshift variant. On other transcripts: non-coding transcript variant (2).
Genome position (GRCh38, 1-based): chr17:58,007,127, C deleted on the plus strand (G on the coding strand, the reverse complement: SRSF1 is on the minus strand); the first of 2 consecutive C bases (chr17:58,007,127-58,007,128); deleting either gives the same sequence. VCF-style (leftmost placement, unchanged base first): chr17-58007126-AC-A. GRCh37 (hg19) VCF-style: chr17-56084487-AC-A.
Other names: p.Gly4ValfsTer3; c.11del, p.Gly4fs (NM_001078166.2); short protein forms G4fs.
Identifiers: ClinVar variation 3376299 (VCV003376299.1).